The following is an entry in ClinVar:

ClinVar aggregate classification (germline): Pathogenic (1 of 4 stars; one submission).

Submission:

Labcorp Genetics (formerly Invitae), Labcorp
Classification: Pathogenic. Last evaluated: 2021-11-01. Review status: criteria provided, single submitter. Criteria: Invitae Variant Classification Sherloc (09022015). Collection method: clinical testing. Allele origin: germline.
Comment: For these reasons, this variant has been classified as Pathogenic. Algorithms developed to predict the effect of sequence changes on RNA splicing suggest that this variant may create or strengthen a splice site. This variant has not been reported in the literature in individuals affected with COL2A1-related conditions. This variant is not present in population databases (gnomAD no frequency). This sequence change creates a premature translational stop signal (p.Gly474Trpfs*14) in the COL2A1 gene. It is expected to result in an absent or disrupted protein product. Loss-of-function variants in COL2A1 are known to be pathogenic (PMID: 20179744).

Literature cited by the submitters: PubMed 20179744.

NM_001844.5(COL2A1):c.1419dup (p.Gly474fs)

Gene: COL2A1 (collagen type II alpha 1 chain; minus strand). Cytogenetic location: 12q13.11.
Variant type: Duplication.
Coding change: c.1419dup on transcript NM_001844.5 (MANE Select); coding-DNA position 1419, one base duplicated (T; older notation c.1419dupT).
Protein change: p.Gly474fs; shifts the reading frame from glycine 474.
Molecular consequence: frameshift variant.
Genome position (GRCh38, 1-based): chr12:47,986,835, A duplicated on the plus strand (T on the coding strand, the reverse complement: COL2A1 is on the minus strand). VCF-style (leftmost placement, unchanged base first): chr12-47986834-C-CA. GRCh37 (hg19) VCF-style: chr12-48380617-C-CA.
Other names: c.1212dup, p.Gly405fs (NM_033150.3); short protein forms G405fs, G474fs.
Identifiers: ClinVar variation 1360554 (VCV001360554.6), dbSNP rs2136573942, ClinGen allele CA2573148631.